The following is an entry in ClinVar:

NM_005228.5(EGFR):c.1919+6T>G

Gene: EGFR (epidermal growth factor receptor; plus strand). Cytogenetic location: 7p11.2.
Variant type: single nucleotide variant.
Coding change: c.1919+6T>G on transcript NM_005228.5 (MANE Select); 6 bases into the intron after coding-DNA position 1919, T replaced by G.
Molecular consequence: intron variant.
Genome position (GRCh38, 1-based): chr7:55,171,219, T>G. VCF-style: chr7-55171219-T-G. GRCh37 (hg19) VCF-style: chr7-55238912-T-G.
Other names: c.1784+6T>G (NM_001346899.2, NM_001346897.2); c.1118+6T>G (NM_001346941.2); c.1919+6T>G (NM_001346898.2); c.1760+6T>G (NM_001346900.2).
Identifiers: ClinVar variation 1513196 (VCV001513196.6), dbSNP rs2128951431, ClinGen allele CA2573142216.
Genomic context (GRCh38, chr7:55,171,219, plus strand): 5'-CTTTCACTTCCTACAGATGCACTGGGCCAGGTCTTGAAGGCTGTCCAACGAATGGGTAAG[T>G]GTTCACAGCTCTGTGTCACATGGACCTCGTCAAGAATGACCACACTGCTGTGGGTGAAGA-3'

ClinVar aggregate classification (germline): Uncertain significance (1 of 4 stars; one submission).

Conditions:
EGFR-related lung cancer (EGFR). Identifiers: MedGen CN130014.

Submission:

Labcorp Genetics (formerly Invitae), Labcorp
Classification: Uncertain significance for EGFR-related lung cancer. Last evaluated: 2023-07-17. Review status: criteria provided, single submitter. Criteria: Invitae Variant Classification Sherloc (09022015). Collection method: clinical testing. Allele origin: germline.
Comment: In summary, the available evidence is currently insufficient to determine the role of this variant in disease. Therefore, it has been classified as a Variant of Uncertain Significance. Variants that disrupt the consensus splice site are a relatively common cause of aberrant splicing (PMID: 17576681, 9536098). Algorithms developed to predict the effect of sequence changes on RNA splicing suggest that this variant may disrupt the consensus splice site. ClinVar contains an entry for this variant (Variation ID: 1513196). This variant has not been reported in the literature in individuals affected with EGFR-related conditions. This variant is not present in population databases (gnomAD no frequency). This sequence change falls in intron 16 of the EGFR gene. It does not directly change the encoded amino acid sequence of the EGFR protein. It affects a nucleotide within the consensus splice site.

Literature cited by the submitters: PubMed 17576681; PubMed 9536098.